The following is an entry in ClinVar:

NM_000138.5(FBN1):c.4337-9C>T

Gene: FBN1 (fibrillin 1; minus strand). Cytogenetic location: 15q21.1.
Variant type: single nucleotide variant.
Coding change: c.4337-9C>T on transcript NM_000138.5 (MANE Select); 9 bases into the intron before coding-DNA position 4337, C replaced by T.
Molecular consequence: intron variant.
Genome position (GRCh38, 1-based): chr15:48,470,765, G>A on the plus strand (C>T on the coding strand, the complement: FBN1 is on the minus strand). VCF-style: chr15-48470765-G-A. GRCh37 (hg19) VCF-style: chr15-48762962-G-A.
Identifiers: ClinVar variation 514969 (VCV000514969.13), dbSNP rs201001403, ClinGen allele CA052699.
Genomic context (GRCh38, chr15:48,470,765, plus strand): 5'-TTGTGGCAAGTTCCAAAGACACAGATGTTCGGAAGGGAGCACTCATCAATATCTTGGGGG[G>A]AGGGAGAAAAAAGCAAAAAACTTAACTTATATTTTTCTAAAAAAAACCTGCCAAATATAA-3'

ClinVar aggregate classification (germline): Likely benign. Review status: criteria provided, multiple submitters, no conflicts (2 of 4 stars). 5 submissions from 5 submitters: Likely benign (5). Last evaluated 2025-11-27.

Conditions:
Marfan syndrome (MFS). Also called: Marfan syndrome type 1; Marfan syndrome, classic; Marfan's syndrome; FBN1-Related Marfan Syndrome; MARFAN SYNDROME, TYPE I. Identifiers: Orphanet 284963, Orphanet 558, MedGen C0024796, MONDO:0007947, OMIM 154700.
Familial thoracic aortic aneurysm and aortic dissection (TAAD). Also called: Thoracic aortic aneurysms and dissections. Identifiers: Orphanet 91387, MedGen C4707243, MONDO:0019625.

Allele frequency attached by ClinVar (database versions not stated): gnomAD 0.00004 and 0.00003; TOPMed 0.00002; ExAC 0.00003; gnomAD exomes 0.00003.
gnomAD v4.1: 14 of 1,613,778 alleles (0.00087%); highest among the groups gnomAD compares: East Asian, 0.0089%; no homozygotes.

Submissions (5):

Labcorp Genetics (formerly Invitae), Labcorp
Classification: Likely benign for Marfan syndrome; Familial thoracic aortic aneurysm and aortic dissection. Last evaluated: 2025-11-27. Review status: criteria provided, single submitter. Criteria: Invitae Variant Classification Sherloc (09022015). Collection method: clinical testing. Allele origin: germline.

Blueprint Genetics
Classification: Likely benign. Last evaluated: 2024-10-02. Review status: criteria provided, single submitter. Criteria: ACMG Guidelines, 2015. Collection method: clinical testing. Allele origin: germline.

All of Us Research Program, National Institutes of Health
Classification: Likely benign for Marfan syndrome. Last evaluated: 2023-07-19. Review status: criteria provided, single submitter. Criteria: ACMG Guidelines, 2015. Collection method: clinical testing. Allele origin: germline. Inheritance: Autosomal dominant inheritance. Observed: 3 variant alleles, 3 heterozygotes.
Comment: This study involves interpretation of variants in research participants for the purpose of population health screening. Participant phenotype was not available at the time of variant classification. Additional details can be found in publication PMID: 35346344, PMCID: PMC8962531

Color Diagnostics, LLC DBA Color Health
Classification: Likely benign for Familial thoracic aortic aneurysm and aortic dissection. Last evaluated: 2018-12-16. Review status: criteria provided, single submitter. Criteria: ACMG Guidelines, 2015. Collection method: clinical testing. Allele origin: germline.

GeneDx
Classification: Likely benign. Last evaluated: 2018-01-23. Review status: criteria provided, single submitter. Criteria: GeneDx Variant Classification (06012015). Collection method: clinical testing. Allele origin: germline. Affected: yes.
Comment: This variant is considered likely benign or benign based on one or more of the following criteria: it is a conservative change, it occurs at a poorly conserved position in the protein, it is predicted to be benign by multiple in silico algorithms, and/or has population frequency not consistent with disease.